The following is an entry in ClinVar:

ClinVar aggregate classification (germline): Uncertain significance. Review status: criteria provided, multiple submitters, no conflicts (2 of 4 stars). 4 submissions from 4 submitters: Uncertain significance (3). 1 of the submissions does not count toward it. Last evaluated 2026-04-13.

Conditions:
Autosomal recessive retinitis pigmentosa. Identifiers: MedGen C0339526.
EYS-related disorder. Also called: EYS-related condition.

Allele frequency attached by ClinVar (database versions not stated): gnomAD exomes below 0.00001; TOPMed 0.00005; gnomAD 0.00006 and 0.00008; ESP Exome Variant Server 0.00022.
gnomAD v4.1: 15 of 1,550,494 alleles (0.00097%); highest among the groups gnomAD compares: African/African-American, 0.021%; no homozygotes.

Submissions (4):

PreventionGenetics, part of Exact Sciences
Classification: Uncertain significance for EYS-related condition. Last evaluated: 2026-04-13. Review status: criteria provided, single submitter. Criteria: ACMG Guidelines, 2015. Collection method: clinical testing. Allele origin: germline.
Comment: The EYS c.3773C>T variant is predicted to result in the amino acid substitution p.Thr1258Ile. To our knowledge, this variant has not been reported in the literature. This variant is reported in 0.034% of alleles in individuals of African descent in gnomAD. At this time, the clinical significance of this variant is uncertain due to the absence of conclusive functional and genetic evidence.

Labcorp Genetics (formerly Invitae), Labcorp
Classification: Uncertain significance. Last evaluated: 2024-10-24. Review status: criteria provided, single submitter. Criteria: Invitae Variant Classification Sherloc (09022015). Collection method: clinical testing. Allele origin: germline.
Comment: This sequence change replaces threonine, which is neutral and polar, with isoleucine, which is neutral and non-polar, at codon 1258 of the EYS protein (p.Thr1258Ile). This variant is present in population databases (rs372304848, gnomAD 0.03%). This variant has not been reported in the literature in individuals affected with EYS-related conditions. ClinVar contains an entry for this variant (Variation ID: 990042). Invitae Evidence Modeling of protein sequence and biophysical properties (such as structural, functional, and spatial information, amino acid conservation, physicochemical variation, residue mobility, and thermodynamic stability) has been performed for this missense variant. However, the output from this modeling did not meet the statistical confidence thresholds required to predict the impact of this variant on EYS protein function. In summary, the available evidence is currently insufficient to determine the role of this variant in disease. Therefore, it has been classified as a Variant of Uncertain Significance.

Blueprint Genetics
Classification: Uncertain significance. Last evaluated: 2024-06-13. Review status: criteria provided, single submitter. Criteria: ACMG Guidelines, 2015. Collection method: clinical testing. Allele origin: germline.

Natera, Inc.
Classification: Uncertain significance for Autosomal recessive retinitis pigmentosa. Last evaluated: 2020-11-05. Review status: no assertion criteria provided. Collection method: clinical testing. Allele origin: germline. Not counted in ClinVar's aggregate classification.

NM_001142800.2(EYS):c.3773C>T (p.Thr1258Ile)

Gene: EYS (EGF-like photoreceptor maintenance factor; minus strand). Cytogenetic location: 6q12.
Variant type: single nucleotide variant.
Coding change: c.3773C>T on transcript NM_001142800.2 (MANE Select); coding-DNA position 3773, C replaced by T.
Protein change: p.Thr1258Ile; replaces threonine 1258 with isoleucine.
Molecular consequence: missense variant.
Genome position (GRCh38, 1-based): chr6:64,593,221, G>A on the plus strand (C>T on the coding strand, the complement: EYS is on the minus strand). VCF-style: chr6-64593221-G-A. GRCh37 (hg19) VCF-style: chr6-65303114-G-A.
Other names: c.3773C>T, p.Thr1258Ile (NM_001292009.2); c.3773C>T (NM_001142800.1); short protein forms T1258I.
Identifiers: ClinVar variation 990042 (VCV000990042.9), dbSNP rs372304848, ClinGen allele CA140341134.
Genomic context (GRCh38, chr6:64,593,221, plus strand): 5'-GCCTTTATAGATGGAAAGCTGCTGACCAAAGTCTCAGAAGGGGGAATTGTATATGTCTGT[G>A]TGGAAATGGGATCTGTTCTTTGAAAGATGGGAGTTAAACAGGTAATTCTCCTTATTTCAT-3'
Protein context (NP_001136272.1, residues 1248-1268): PIFQRTDPIS[Thr1258Ile]QTYTIPPSET